The following is an entry in ClinVar:

NM_001375567.1(FOCAD):c.3549T>A (p.Phe1183Leu)

Gene: FOCAD (focadhesin; plus strand). Cytogenetic location: 9p21.3.
Variant type: single nucleotide variant.
Coding change: c.3549T>A on transcript NM_001375567.1 (MANE Select); coding-DNA position 3549, T replaced by A.
Protein change: p.Phe1183Leu; replaces phenylalanine 1183 with leucine.
Molecular consequence: missense variant.
Genome position (GRCh38, 1-based): chr9:20,944,768, T>A. VCF-style: chr9-20944768-T-A. GRCh37 (hg19) VCF-style: chr9-20944767-T-A.
Other names: c.3444T>A, p.Phe1148Leu (NM_001375568.1, NM_001375570.1); c.3549T>A, p.Phe1183Leu (NM_017794.5); short protein forms F1148L, F1183L.
Identifiers: ClinVar variation 3391256 (VCV003391256.1).
Genomic context (GRCh38, chr9:20,944,768, plus strand): 5'-AGCATTGCTCCGGAAGCTGTCTGCGCACGTAGATGACAGCGGGAGCCAGAGCAGAACGTT[T>A]CAGGAGGTAAGAGATGGAGGCTACATTTTTTTCCCCTCTGCTCTCTTTTGTTTTCTTCTT-3'
Protein context (NP_001362496.1, residues 1173-1193): VDDSGSQSRT[Phe1183Leu]QEVLAYTLSC

ClinVar aggregate classification (germline): Uncertain significance (1 of 4 stars; one submission).

Conditions:
Liver disease, severe congenital (SCOLIV). Also called: FOCAD DEFICIENCY. Identifiers: MedGen C5774195, MONDO:0859273, OMIM 619991.

Submission:

Neuberg Centre For Genomic Medicine, NCGM
Classification: Uncertain significance for Liver disease, severe congenital. Last evaluated: 2023-07-22. Review status: criteria provided, single submitter. Criteria: ACMG Guidelines, 2015. Collection method: clinical testing. Allele origin: germline. Inheritance: Autosomal recessive inheritance. Affected: yes.
Comment: The observed missense c.3549T>Ap.Phe1183Leu variant in FOCAD gene has not been reported previously as a pathogenic variant nor as a benign variant, to our knowledge. This variant is absent in gnomAD Exomes. The amino acid Phe at position 1183 is changed to a Leu changing protein sequence and it might alter its composition and physico-chemical properties. The amino acid change p.Phe1183Leu in FOCAD is predicted as conserved by GERP++. Computational evidence SIFT - Tolerated, and MutationTaster - Polymorphism predicts conflicting evidence on protein structure and function for this variant. For these reasons, this variant has been classified as Uncertain Significance.